The following is an entry in ClinVar:

ClinVar aggregate classification (germline): Pathogenic (1 of 4 stars; one submission).

Conditions:
Cardiovascular phenotype. Identifiers: MedGen CN230736.

gnomAD v4.1: 1 of 1,599,462 alleles (0.000063%); highest among the groups gnomAD compares: Non-Finnish European, 0.000085%; no homozygotes.

Submission:

Ambry Genetics
Classification: Pathogenic for Cardiovascular phenotype. Last evaluated: 2026-06-23. Review status: criteria provided, single submitter. Criteria: Ambry Variant Classification Scheme 2023. Collection method: clinical testing. Allele origin: germline.
Comment: The p.Q149* pathogenic mutation (also known as c.445C>T), located in coding exon 2 of the NKX2-5 gene, results from a C to T substitution at nucleotide position 445. This changes the amino acid from a glutamine to a stop codon within coding exon 2. This variant occurs at the 3' terminus of the gene, is not expected to trigger nonsense-mediated mRNA decay, and impacts the last 54% of the protein. However, premature stop codons are typically deleterious in nature, a significant portion of the protein is affected, and the impacted region is critical for protein function (Ambry internal data). This variant was identified in one or more individuals with features consistent with NKX2-5 related congenital heart disease and segregated with disease in at least one family (Benson DW et al. J Clin Invest, 1999 Dec;104:1567-73; Bj&oslash;rnstad PG et al. Cardiol Young, 2009 Feb;19:40-4; Ambry internal data). In an assay testing NKX2-5 function, this variant showed a functionally abnormal result (Ouyang P et al. Gene, 2016 Nov;592:276-80). This variant is considered to be rare based on population cohorts in the Genome Aggregation Database (gnomAD). Based on the supporting evidence, this variant is interpreted as a disease-causing mutation.

Literature cited by the submitters: PubMed 10587520; PubMed 19049681; PubMed 27401138.

NM_004387.4(NKX2-5):c.445C>T (p.Gln149Ter)

Gene: NKX2-5 (NK2 homeobox 5; minus strand). Cytogenetic location: 5q35.1.
Variant type: single nucleotide variant.
Coding change: c.445C>T on transcript NM_004387.4 (MANE Select); coding-DNA position 445, C replaced by T.
Protein change: p.Gln149Ter; replaces glutamine 149 with a stop codon.
Molecular consequence: nonsense. On other transcripts: 3 prime UTR variant (2).
Genome position (GRCh38, 1-based): chr5:173,233,099, G>A on the plus strand (C>T on the coding strand, the complement: NKX2-5 is on the minus strand). VCF-style: chr5-173233099-G-A. GRCh37 (hg19) VCF-style: chr5-172660102-G-A.
Other names: c.*398C>T (NM_001166175.2); c.*244C>T (NM_001166176.2); short protein forms Q149*.
Identifiers: ClinVar variation 5025760 (VCV005025760.1).